The following is an entry in ClinVar:

NM_002709.3(PPP1CB):c.919G>A (p.Gly307Ser)

Gene: PPP1CB (protein phosphatase 1 catalytic subunit beta; plus strand). Cytogenetic location: 2p23.2.
Variant type: single nucleotide variant.
Coding change: c.919G>A on transcript NM_002709.3 (MANE Select); coding-DNA position 919, G replaced by A.
Protein change: p.Gly307Ser; replaces glycine 307 with serine.
Molecular consequence: missense variant.
Genome position (GRCh38, 1-based): chr2:28,799,238, G>A. VCF-style: chr2-28799238-G-A. GRCh37 (hg19) VCF-style: chr2-29022104-G-A.
Other names: c.919G>A, p.Gly307Ser (NM_206876.2); short protein forms G307S.
Identifiers: ClinVar variation 1950316 (VCV001950316.5), dbSNP rs199975807, ClinGen allele CA44890299.

ClinVar aggregate classification (germline): Uncertain significance (1 of 4 stars; one submission).

Allele frequency attached by ClinVar (database versions not stated): gnomAD 0.00001; TOPMed 0.00001; gnomAD exomes 0.00003.
gnomAD v4.1: 46 of 1,609,012 alleles (0.0029%); highest among the groups gnomAD compares: Non-Finnish European, 0.0037%; no homozygotes.

Submission:

Labcorp Genetics (formerly Invitae), Labcorp
Classification: Uncertain significance. Last evaluated: 2025-07-08. Review status: criteria provided, single submitter. Criteria: Invitae Variant Classification Sherloc (09022015). Collection method: clinical testing. Allele origin: germline.
Comment: This sequence change replaces glycine, which is neutral and non-polar, with serine, which is neutral and polar, at codon 307 of the PPP1CB protein (p.Gly307Ser). This variant is present in population databases (rs199975807, gnomAD 0.0009%). This variant has not been reported in the literature in individuals affected with PPP1CB-related conditions. ClinVar contains an entry for this variant (Variation ID: 1950316). An algorithm developed to predict the effect of missense changes on protein structure and function (PolyPhen-2) suggests that this variant is likely to be tolerated. In summary, the available evidence is currently insufficient to determine the role of this variant in disease. Therefore, it has been classified as a Variant of Uncertain Significance.